The following is an entry in ClinVar:

ClinVar aggregate classification (germline): Uncertain significance. Review status: criteria provided, multiple submitters, no conflicts (2 of 4 stars). 2 submissions from 2 submitters: Uncertain significance (2). Last evaluated 2025-11-19.

Conditions:
Cardiovascular phenotype. Identifiers: MedGen CN230736.
Long QT syndrome (LQTS). Identifiers: MedGen C0023976, MeSH D008133, MONDO:0002442. Disease mechanism: loss of function. Inheritance: Various modes of inheritance.

Allele frequency attached by ClinVar (database versions not stated): gnomAD exomes 0.00001; TOPMed 0.00001; gnomAD 0.00001.

Submissions (2):

Labcorp Genetics (formerly Invitae), Labcorp
Classification: Uncertain significance for Long QT syndrome. Last evaluated: 2025-11-19. Review status: criteria provided, single submitter. Criteria: Invitae Variant Classification Sherloc (09022015). Collection method: clinical testing. Allele origin: germline.
Comment: This sequence change replaces alanine, which is neutral and non-polar, with valine, which is neutral and non-polar, at codon 435 of the SNTA1 protein (p.Ala435Val). This variant is present in population databases (no rsID available, gnomAD 0.004%). This variant has not been reported in the literature in individuals affected with SNTA1-related conditions. ClinVar contains an entry for this variant (Variation ID: 840634). Invitae Evidence Modeling of protein sequence and biophysical properties (such as structural, functional, and spatial information, amino acid conservation, physicochemical variation, residue mobility, and thermodynamic stability) indicates that this missense variant is not expected to disrupt SNTA1 protein function with a negative predictive value of 80%. In summary, the available evidence is currently insufficient to determine the role of this variant in disease. Therefore, it has been classified as a Variant of Uncertain Significance.

Ambry Genetics
Classification: Uncertain significance for Cardiovascular phenotype. Last evaluated: 2025-07-21. Review status: criteria provided, single submitter. Criteria: Ambry Variant Classification Scheme 2023. Collection method: clinical testing. Allele origin: germline.
Comment: The p.A435V variant (also known as c.1304C>T), located in coding exon 7 of the SNTA1 gene, results from a C to T substitution at nucleotide position 1304. The alanine at codon 435 is replaced by valine, an amino acid with similar properties. This amino acid position is not well conserved in available vertebrate species. In addition, this alteration is predicted to be tolerated by in silico analysis. The evidence for this gene-disease relationship is limited; therefore, the clinical significance of this alteration is unclear.

NM_003098.3(SNTA1):c.1304C>T (p.Ala435Val)

Gene: SNTA1 (syntrophin alpha 1; minus strand). Cytogenetic location: 20q11.21.
Variant type: single nucleotide variant.
Coding change: c.1304C>T on transcript NM_003098.3 (MANE Select); coding-DNA position 1304, C replaced by T.
Protein change: p.Ala435Val; replaces alanine 435 with valine.
Molecular consequence: missense variant.
Genome position (GRCh38, 1-based): chr20:33,408,822, G>A on the plus strand (C>T on the coding strand, the complement: SNTA1 is on the minus strand). VCF-style: chr20-33408822-G-A. GRCh37 (hg19) VCF-style: chr20-31996628-G-A.
Other names: short protein forms A435V.
Identifiers: ClinVar variation 840634 (VCV000840634.10), dbSNP rs1030135305, ClinGen allele CA313251257.